The following is an entry in ClinVar:

ClinVar aggregate classification (germline): Benign/Likely benign. Review status: criteria provided, multiple submitters, no conflicts (2 of 4 stars). 12 submissions from 12 submitters: Benign (9); Likely benign (3). Last evaluated 2026-09-01.

Conditions:
Familial thoracic aortic aneurysm and aortic dissection (TAAD). Also called: Thoracic aortic aneurysms and dissections. Identifiers: Orphanet 91387, MedGen C4707243, MONDO:0019625.
Aortic aneurysm, familial thoracic 6 (AAT6). Also called: FAMILIAL THORACIC AORTIC ANEURYSM WITH LIVEDO RETICULARIS AND IRIS FLOCCULI. Identifiers: MedGen C2673186, MONDO:0012730, OMIM 611788.

Allele frequency attached by ClinVar (database versions not stated): gnomAD exomes 0.00024 and 0.00068; ExAC 0.00094; 1000 Genomes Project 0.00240; 1000 Genomes Project 30x 0.00265; ESP Exome Variant Server 0.00284; TOPMed 0.00286; gnomAD 0.00288 and 0.00305.
gnomAD v4.1: 798 of 1,613,270 alleles (0.049%); highest among the groups gnomAD compares: African/African-American, 0.98%; 5 homozygotes.

Submissions (12):

CeGaT Center for Human Genetics Tuebingen
Classification: Likely benign. Last evaluated: 2026-09-01. Review status: criteria provided, single submitter. Criteria: CeGaT Center For Human Genetics Tuebingen Variant Classification Criteria Version 2. Collection method: clinical testing. Allele origin: germline. Affected: yes. Observed: 3 variant alleles.
Comment: ACTA2: BP4, BS1

Labcorp Genetics (formerly Invitae), Labcorp
Classification: Benign for Aortic aneurysm, familial thoracic 6. Last evaluated: 2026-01-28. Review status: criteria provided, single submitter. Criteria: Invitae Variant Classification Sherloc (09022015). Collection method: clinical testing. Allele origin: germline.

Blueprint Genetics
Classification: Likely benign. Last evaluated: 2024-11-06. Review status: criteria provided, single submitter. Criteria: ACMG Guidelines, 2015. Collection method: clinical testing. Allele origin: germline.

All of Us Research Program, National Institutes of Health
Classification: Benign for Familial thoracic aortic aneurysm and aortic dissection. Last evaluated: 2024-02-05. Review status: criteria provided, single submitter. Criteria: ACMG Guidelines, 2015. Collection method: clinical testing. Allele origin: germline. Inheritance: Autosomal dominant inheritance. Observed: 144 variant alleles, 144 heterozygotes.
Comment: This study involves interpretation of variants in research participants for the purpose of population health screening. Participant phenotype was not available at the time of variant classification. Additional details can be found in publication PMID: 35346344, PMCID: PMC8962531

ARUP Laboratories, Molecular Genetics and Genomics, ARUP Laboratories
Classification: Benign. Last evaluated: 2023-09-25. Review status: criteria provided, single submitter. Criteria: ARUP Molecular Germline Variant Investigation Process 2024. Collection method: clinical testing. Allele origin: germline.

Women's Health and Genetics/Laboratory Corporation of America, LabCorp
Classification: Benign. Last evaluated: 2023-07-21. Review status: criteria provided, single submitter. Criteria: LabCorp Variant Classification Summary - May 2015. Collection method: clinical testing. Allele origin: germline.

Mayo Clinic Laboratories, Mayo Clinic
Classification: Benign. Last evaluated: 2022-04-06. Review status: criteria provided, single submitter. Criteria: ACMG Guidelines, 2015. Collection method: clinical testing. Allele origin: germline. Observed: 2 variant alleles.
Comment: BS1, BP4, BP7

Color Diagnostics, LLC DBA Color Health
Classification: Benign for Familial thoracic aortic aneurysm and aortic dissection. Last evaluated: 2018-10-18. Review status: criteria provided, single submitter. Criteria: ACMG Guidelines, 2015. Collection method: clinical testing. Allele origin: germline.

CHEO Genetics Diagnostic Laboratory, Children's Hospital of Eastern Ontario
Classification: Benign for Familial thoracic aortic aneurysm and aortic dissection. Last evaluated: 2017-04-21. Review status: criteria provided, single submitter. Criteria: ACMG Guidelines, 2015. Collection method: clinical testing. Allele origin: germline. Study: Canadian Open Genetics Repository.

Ambry Genetics
Classification: Benign for Familial thoracic aortic aneurysm and aortic dissection. Last evaluated: 2016-01-12. Review status: criteria provided, single submitter. Criteria: Ambry Variant Classification Scheme 2023. Collection method: clinical testing. Allele origin: germline.

GeneDx
Classification: Benign. Last evaluated: 2015-03-03. Review status: criteria provided, single submitter. Criteria: GeneDx Variant Classification Process June 2021. Collection method: clinical testing. Allele origin: germline. Affected: yes.

Breakthrough Genomics
Classification: Likely benign. Review status: criteria provided, single submitter. Criteria: ACMG Guidelines, 2015. Collection method: not provided. Allele origin: germline. Inheritance: Autosomal dominant inheritance. Affected: yes.

NM_001613.4(ACTA2):c.417G>A (p.Gln139=)

Gene: ACTA2 (actin alpha 2, smooth muscle; minus strand). Cytogenetic location: 10q23.31.
Variant type: single nucleotide variant.
Coding change: c.417G>A on transcript NM_001613.4 (MANE Select); coding-DNA position 417, G replaced by A.
Protein change: p.Gln139=; no amino-acid change (glutamine 139 retained).
Molecular consequence: synonymous variant.
Genome position (GRCh38, 1-based): chr10:88,941,822, C>T on the plus strand (G>A on the coding strand, the complement: ACTA2 is on the minus strand). VCF-style: chr10-88941822-C-T. GRCh37 (hg19) VCF-style: chr10-90701579-C-T.
Other names: p.Gln139=; c.417G>A, p.Gln139= (NM_001141945.3, NM_001320855.2, NM_001406462.1 and 3 more transcripts); c.306G>A, p.Gln102= (NM_001406466.1); c.288G>A, p.Gln96= (NM_001406467.1, NM_001406468.1, NM_001406469.1).
Identifiers: ClinVar variation 301508 (VCV000301508.40), dbSNP rs111265233, ClinGen allele CA028232.